The following is an entry in ClinVar:

NM_007078.3(LDB3):c.133C>T (p.Gln45Ter)

Gene: LDB3 (LIM domain binding 3; plus strand). Cytogenetic location: 10q23.2.
Variant type: single nucleotide variant.
Coding change: c.133C>T on transcript NM_007078.3 (MANE Select); coding-DNA position 133, C replaced by T.
Protein change: p.Gln45Ter; replaces glutamine 45 with a stop codon.
Molecular consequence: nonsense.
Genome position (GRCh38, 1-based): chr10:86,679,406, C>T. VCF-style: chr10-86679406-C-T. GRCh37 (hg19) VCF-style: chr10-88439163-C-T.
Other names: c.133C>T, p.Gln45Ter (NM_001080116.1, NM_001080114.2, NM_001080115.2 and 8 more transcripts); short protein forms Q45*.
Identifiers: ClinVar variation 393019 (VCV000393019.3), dbSNP rs1057524744, ClinGen allele CA16605696.

ClinVar aggregate classification (germline): Uncertain significance (1 of 4 stars; one submission).

Submission:

GeneDx
Classification: Uncertain significance. Last evaluated: 2020-12-11. Review status: criteria provided, single submitter. Criteria: GeneDx Variant Classification Process June 2021. Collection method: clinical testing. Allele origin: germline. Affected: yes.
Comment: Not observed in large population cohorts (Lek et al., 2016); Nonsense variant predicted to result in protein truncation or nonsense mediated decay in a gene for which loss-of-function is not a known mechanism of disease; Has not been previously published as pathogenic or benign to our knowledge